The following is an entry in ClinVar:

ClinVar aggregate classification (germline): Uncertain significance (1 of 4 stars; one submission).

Conditions:
Charcot-Marie-Tooth disease axonal type 2O. Also called: Charcot-Marie-Tooth disease, axonal, type 20; CHARCOT-MARIE-TOOTH NEUROPATHY, AXONAL, TYPE 2O; CHARCOT-MARIE-TOOTH DISEASE, AXONAL, AUTOSOMAL DOMINANT, TYPE 2O; Charcot-Marie-Tooth Neuropathy Type 2O. Identifiers: Orphanet 284232, MedGen C3280220, MONDO:0013644, OMIM 614228.

Submission:

Labcorp Genetics (formerly Invitae), Labcorp
Classification: Uncertain significance for Charcot-Marie-Tooth disease axonal type 2O. Last evaluated: 2024-05-21. Review status: criteria provided, single submitter. Criteria: Invitae Variant Classification Sherloc (09022015). Collection method: clinical testing. Allele origin: germline.
Comment: This sequence change replaces histidine, which is basic and polar, with tyrosine, which is neutral and polar, at codon 3182 of the DYNC1H1 protein (p.His3182Tyr). This variant is not present in population databases (gnomAD no frequency). This variant has not been reported in the literature in individuals affected with DYNC1H1-related conditions. Advanced modeling of protein sequence and biophysical properties (such as structural, functional, and spatial information, amino acid conservation, physicochemical variation, residue mobility, and thermodynamic stability) has been performed at Invitae for this missense variant, however the output from this modeling did not meet the statistical confidence thresholds required to predict the impact of this variant on DYNC1H1 protein function. In summary, the available evidence is currently insufficient to determine the role of this variant in disease. Therefore, it has been classified as a Variant of Uncertain Significance.

NM_001376.5(DYNC1H1):c.9544C>T (p.His3182Tyr)

Gene: DYNC1H1 (dynein cytoplasmic 1 heavy chain 1; plus strand). Cytogenetic location: 14q32.31.
Variant type: single nucleotide variant.
Coding change: c.9544C>T on transcript NM_001376.5 (MANE Select); coding-DNA position 9544, C replaced by T.
Protein change: p.His3182Tyr; replaces histidine 3182 with tyrosine.
Molecular consequence: missense variant.
Genome position (GRCh38, 1-based): chr14:102,029,614, C>T. VCF-style: chr14-102029614-C-T. GRCh37 (hg19) VCF-style: chr14-102495951-C-T.
Other names: short protein forms H3182Y.
Identifiers: ClinVar variation 3636167 (VCV003636167.2).